The following is an entry in ClinVar:

NM_000038.6(APC):c.715G>T (p.Ala239Ser)

Gene: APC (APC regulator of Wnt signaling pathway; plus strand). Cytogenetic location: 5q22.2.
Variant type: single nucleotide variant.
Coding change: c.715G>T on transcript NM_000038.6 (MANE Select); coding-DNA position 715, G replaced by T.
Protein change: p.Ala239Ser; replaces alanine 239 with serine.
Molecular consequence: missense variant. On other transcripts: 5 prime UTR variant (1), intron variant (2).
Genome position (GRCh38, 1-based): chr5:112,792,515, G>T. VCF-style: chr5-112792515-G-T. GRCh37 (hg19) VCF-style: chr5-112128212-G-T.
Other names: c.715G>T, p.Ala239Ser (NM_001127510.3, NM_001354895.2, NM_001354896.2 and 1 more transcripts); c.745G>T, p.Ala249Ser (NM_001354897.2, NM_001354902.2); c.640G>T, p.Ala214Ser (NM_001354898.2, NM_001354904.2); c.538G>T, p.Ala180Ser (NM_001354900.2, NM_001354901.2, NM_001354905.2); c.-321G>T (NM_001354906.2); c.676-8764G>T (NM_001127511.3); c.646-8764G>T (NM_001354899.2); short protein forms A239S, A180S, A249S, A214S.
Identifiers: ClinVar variation 411443 (VCV000411443.54), dbSNP rs777760565, ClinGen allele CA16022897.

ClinVar aggregate classification (germline): Uncertain significance. Review status: criteria provided, multiple submitters, no conflicts (2 of 4 stars). 3 submissions from 3 submitters: Uncertain significance (3). Last evaluated 2025-09-26.

Conditions:
Familial adenomatous polyposis 1 (FAP1). Also called: FAMILIAL ADENOMATOUS POLYPOSIS 1, ATTENUATED; POLYPOSIS, ADENOMATOUS INTESTINAL. Identifiers: MedGen C2713442, MONDO:0021056, OMIM 175100. Disease mechanism: loss of function.
Hereditary cancer-predisposing syndrome. Also called: Tumor predisposition; Hereditary Cancer Syndrome; Hereditary neoplastic syndrome; Neoplastic Syndromes, Hereditary. Identifiers: Orphanet 140162, MedGen C0027672, MeSH D009386, MONDO:0015356.

Submissions (3):

Labcorp Genetics (formerly Invitae), Labcorp
Classification: Uncertain significance for Familial adenomatous polyposis 1. Last evaluated: 2025-09-26. Review status: criteria provided, single submitter. Criteria: Invitae Variant Classification Sherloc (09022015). Collection method: clinical testing. Allele origin: germline.
Comment: This sequence change replaces alanine, which is neutral and non-polar, with serine, which is neutral and polar, at codon 239 of the APC protein (p.Ala239Ser). This variant is not present in population databases (gnomAD no frequency). This variant has not been reported in the literature in individuals affected with APC-related conditions. ClinVar contains an entry for this variant (Variation ID: 411443). Invitae Evidence Modeling of protein sequence and biophysical properties (such as structural, functional, and spatial information, amino acid conservation, physicochemical variation, residue mobility, and thermodynamic stability) indicates that this missense variant is not expected to disrupt APC protein function with a negative predictive value of 95%. In summary, the available evidence is currently insufficient to determine the role of this variant in disease. Therefore, it has been classified as a Variant of Uncertain Significance.

Ambry Genetics
Classification: Uncertain significance for Hereditary cancer-predisposing syndrome. Last evaluated: 2024-03-12. Review status: criteria provided, single submitter. Criteria: Ambry Variant Classification Scheme 2023. Collection method: clinical testing. Allele origin: germline.
Comment: The p.A239S variant (also known as c.715G>T), located in coding exon 6 of the APC gene, results from a G to T substitution at nucleotide position 715. The alanine at codon 239 is replaced by serine, an amino acid with similar properties. This amino acid position is well conserved in available vertebrate species. In addition, in silico predictors for this gene do not accurately predict pathogenicity. Since supporting evidence is limited at this time, the clinical significance of this alteration remains unclear.

Color Diagnostics, LLC DBA Color Health
Classification: Uncertain significance for Hereditary cancer-predisposing syndrome. Last evaluated: 2021-11-02. Review status: criteria provided, single submitter. Criteria: ACMG Guidelines, 2015. Collection method: clinical testing. Allele origin: germline.
Comment: This missense variant replaces alanine with serine at codon 239 of the APC protein. Computational prediction suggests that this variant may not impact protein structure and function (internally defined REVEL score threshold <= 0.5, PMID: 27666373). To our knowledge, functional studies have not been reported for this variant. This variant has not been reported in individuals affected with hereditary cancer in the literature. This variant has not been identified in the general population by the Genome Aggregation Database (gnomAD). The available evidence is insufficient to determine the role of this variant in disease conclusively. Therefore, this variant is classified as a Variant of Uncertain Significance.